The following is an entry in ClinVar:

ClinVar aggregate classification (germline): Uncertain significance. Review status: criteria provided, multiple submitters, no conflicts (2 of 4 stars). 2 submissions from 2 submitters: Uncertain significance (2). Last evaluated 2025-08-11.

Allele frequency attached by ClinVar (database versions not stated): gnomAD 0.00003; TOPMed 0.00005; gnomAD exomes 0.00006.

Submissions (2):

Ambry Genetics
Classification: Uncertain significance. Last evaluated: 2025-08-11. Review status: criteria provided, single submitter. Criteria: Ambry Variant Classification Scheme 2023. Collection method: clinical testing. Allele origin: germline.

Labcorp Genetics (formerly Invitae), Labcorp
Classification: Uncertain significance. Last evaluated: 2024-05-19. Review status: criteria provided, single submitter. Criteria: Invitae Variant Classification Sherloc (09022015). Collection method: clinical testing. Allele origin: germline.
Comment: This sequence change replaces proline, which is neutral and non-polar, with threonine, which is neutral and polar, at codon 84 of the DMRT2 protein (p.Pro84Thr). This variant is present in population databases (no rsID available, gnomAD 0.1%). This variant has not been reported in the literature in individuals affected with DMRT2-related conditions. ClinVar contains an entry for this variant (Variation ID: 2208196). An algorithm developed to predict the effect of missense changes on protein structure and function (PolyPhen-2) suggests that this variant is likely to be tolerated. In summary, the available evidence is currently insufficient to determine the role of this variant in disease. Therefore, it has been classified as a Variant of Uncertain Significance.

NM_181872.6(DMRT2):c.250C>A (p.Pro84Thr)

Gene: DMRT2 (doublesex and mab-3 related transcription factor 2; plus strand). Cytogenetic location: 9p24.3.
Variant type: single nucleotide variant.
Coding change: c.250C>A on transcript NM_181872.6 (MANE Select); coding-DNA position 250, C replaced by A.
Protein change: p.Pro84Thr; replaces proline 84 with threonine.
Molecular consequence: missense variant. On other transcripts: 5 prime UTR variant (1), non-coding transcript variant (1).
Genome position (GRCh38, 1-based): chr9:1,051,863, C>A. VCF-style: chr9-1051863-C-A. GRCh37 (hg19) VCF-style: chr9-1051863-C-A.
Other names: c.250C>A, p.Pro84Thr (NM_001130865.3, NM_001370531.1, NM_001370533.1 and 4 more transcripts); c.-401C>A (NM_001370532.1); short protein forms P84T.
Identifiers: ClinVar variation 2208196 (VCV002208196.6), dbSNP rs911842891, ClinGen allele CA187867233.